The following is an entry in ClinVar:

ClinVar aggregate classification (germline): Uncertain significance. Review status: criteria provided, multiple submitters, no conflicts (2 of 4 stars). 3 submissions from 3 submitters: Uncertain significance (3). Last evaluated 2025-03-18.

Conditions:
Long QT syndrome (LQTS). Identifiers: MedGen C0023976, MeSH D008133, MONDO:0002442. Disease mechanism: loss of function. Inheritance: Various modes of inheritance.

Allele frequency attached by ClinVar (database versions not stated): gnomAD 0.00001 and 0.00002; gnomAD exomes 0.00006; TOPMed 0.00003; ExAC 0.00004.
gnomAD v4.1: 56 of 1,613,948 alleles (0.0035%); highest among the groups gnomAD compares: East Asian, 0.0089%; no homozygotes.

Submissions (3):

Labcorp Genetics (formerly Invitae), Labcorp
Classification: Uncertain significance for Long QT syndrome. Last evaluated: 2025-03-18. Review status: criteria provided, single submitter. Criteria: Invitae Variant Classification Sherloc (09022015). Collection method: clinical testing. Allele origin: germline.
Comment: This sequence change replaces arginine, which is basic and polar, with glutamine, which is neutral and polar, at codon 2506 of the ANK2 protein (p.Arg2506Gln). This variant is present in population databases (rs780131495, gnomAD 0.07%), and has an allele count higher than expected for a pathogenic variant. This variant has not been reported in the literature in individuals affected with ANK2-related conditions. ClinVar contains an entry for this variant (Variation ID: 406493). An algorithm developed to predict the effect of missense changes on protein structure and function (PolyPhen-2) suggests that this variant is likely to be disruptive. In summary, the available evidence is currently insufficient to determine the role of this variant in disease. Therefore, it has been classified as a Variant of Uncertain Significance.

GeneDx
Classification: Uncertain significance. Last evaluated: 2021-02-10. Review status: criteria provided, single submitter. Criteria: GeneDx Variant Classification Process June 2021. Collection method: clinical testing. Allele origin: germline. Affected: yes.
Comment: Has not been previously published as pathogenic or benign to our knowledge; In silico analysis supports that this missense variant does not alter protein structure/function; Located in exon 38, which is reported as being expressed in a brain-specific transcript (Otto et al, 1991; Cunha et al, 2008; Wu et al, 2015); Reported in ClinVar but additional evidence is not available (ClinVar Variant ID#406493; Landrum et al., 2016)

Stanford Center for Inherited Cardiovascular Disease, Stanford University
Classification: Uncertain significance. Last evaluated: 2017-04-05. Review status: criteria provided, single submitter. Criteria: ACMG Guidelines, 2015. Collection method: provider interpretation. Allele origin: germline.

NM_001148.6(ANK2):c.7517G>A (p.Arg2506Gln)

Genes: ANK2 (ankyrin 2; plus strand), LOC126807137 (CDK7 strongly-dependent group 2 enhancer GRCh37_chr4:114276560-114277759; plus strand). Cytogenetic location: 4q26.
Variant type: single nucleotide variant.
Coding change: c.7517G>A on transcript NM_001148.6 (MANE Select); coding-DNA position 7517, G replaced by A.
Protein change: p.Arg2506Gln; replaces arginine 2506 with glutamine.
Molecular consequence: missense variant. On other transcripts: intron variant (68).
Genome position (GRCh38, 1-based): chr4:113,356,135, G>A. VCF-style: chr4-113356135-G-A. GRCh37 (hg19) VCF-style: chr4-114277291-G-A.
Other names: c.7283G>A, p.Arg2428Gln (NM_001386142.1); c.3917G>A, p.Arg1306Gln (NM_001386166.1); c.7658G>A, p.Arg2553Gln (NM_001386174.1); c.7634G>A, p.Arg2545Gln (NM_001386175.1); c.4412-4688G>A (NM_001386186.2, NM_001386148.2); c.4214-4688G>A (NM_001354269.3); c.4292-4688G>A (NM_001386187.2); c.4253-4688G>A (NM_001386147.1); and 35 more; short protein forms R2506Q, R1306Q, R2428Q, R2545Q, R2553Q.
Identifiers: ClinVar variation 406493 (VCV000406493.13), dbSNP rs780131495, ClinGen allele CA3051603.
Genomic context (GRCh38, chr4:113,356,135, plus strand): 5'-ACTTTCCTCTTCCTGCAGCTGTTGCCAAAACAGAACTCTTGACGGAAGTGGCCTCTGTGC[G>A]GTCCCGGCTACTCCGAGACCCTGATGGCAGTGCTGAGGATGACAGTCTTGAGCAGACATC-3'
Protein context (NP_001139.3, residues 2496-2516): TELLTEVASV[Arg2506Gln]SRLLRDPDGS